The following is an entry in ClinVar:

NM_005585.5(SMAD6):c.791A>G (p.Tyr264Cys)

Gene: SMAD6 (SMAD family member 6; plus strand). Cytogenetic location: 15q22.31.
Variant type: single nucleotide variant.
Coding change: c.791A>G on transcript NM_005585.5 (MANE Select); coding-DNA position 791, A replaced by G.
Protein change: p.Tyr264Cys; replaces tyrosine 264 with cysteine.
Molecular consequence: missense variant. On other transcripts: non-coding transcript variant (1).
Genome position (GRCh38, 1-based): chr15:66,704,049, A>G. VCF-style: chr15-66704049-A-G. GRCh37 (hg19) VCF-style: chr15-66996387-A-G.
Other names: c.791A>G (NM_005585.4); short protein forms Y264C.
Identifiers: ClinVar variation 1174573 (VCV001174573.4), dbSNP rs750855608, ClinGen allele CA392950255.

ClinVar aggregate classification (germline): Uncertain significance. Review status: criteria provided, single submitter (1 of 4 stars). 2 submissions from 2 submitters: Uncertain significance (1). 1 of the submissions does not count toward it. Last evaluated 2020-08-21.

Conditions:
Radioulnar synostosis. Also called: Congenital radioulnar synostosis. Identifiers: Orphanet 3269, MedGen C0158761, MONDO:0017985, HP:0002974.

Allele frequency attached by ClinVar (database versions not stated): gnomAD 0.00001; TOPMed 0.00001.
gnomAD v4.1: 5 of 1,507,104 alleles (0.00033%); highest among the groups gnomAD compares: East Asian, 0.0028%; no homozygotes.

Submissions (2):

GeneDx
Classification: Uncertain significance. Last evaluated: 2020-08-21. Review status: criteria provided, single submitter. Criteria: GeneDx Variant Classification Process June 2021. Collection method: clinical testing. Allele origin: germline. Affected: yes.
Comment: Not observed in large population cohorts (Lek et al., 2016); In silico analysis supports that this missense variant has a deleterious effect on protein structure/function; Has not been previously published as pathogenic or benign to our knowledge

The Laboratory of Genetics and Metabolism, Hunan Children’s Hospital
Classification: Likely pathogenic for Radioulnar synostosis. Last evaluated: 2020-06-20. Review status: no assertion criteria provided. Collection method: research. Allele origin: de novo. Affected: yes. Not counted in ClinVar's aggregate classification.